The following is an entry in ClinVar:

ClinVar aggregate classification (germline): Uncertain significance (1 of 4 stars; one submission).

Conditions:
X-linked lymphoproliferative disease due to SH2D1A deficiency (XLP1). Also called: PURTILO SYNDROME; DUNCAN DISEASE; IMMUNODEFICIENCY 5; IMMUNODEFICIENCY, X-LINKED PROGRESSIVE COMBINED VARIABLE; INFECTIOUS MONONUCLEOSIS, SEVERE, SUSCEPTIBILITY TO; EBV infection severe susceptibility to. Identifiers: Orphanet 2442, Orphanet 538931, MedGen C5399825, MONDO:0024551, OMIM 308240.

Submission:

Labcorp Genetics (formerly Invitae), Labcorp
Classification: Uncertain significance for X-linked lymphoproliferative disease due to SH2D1A deficiency. Last evaluated: 2019-03-21. Review status: criteria provided, single submitter. Criteria: Invitae Variant Classification Sherloc (09022015). Collection method: clinical testing. Allele origin: germline.
Comment: In summary, the available evidence is currently insufficient to determine the role of this variant in disease. Therefore, it has been classified as a Variant of Uncertain Significance. Algorithms developed to predict the effect of missense changes on protein structure and function (SIFT, PolyPhen-2, Align-GVGD) all suggest that this variant is likely to be tolerated, but these predictions have not been confirmed by published functional studies and their clinical significance is uncertain. This variant has not been reported in the literature in individuals with SH2D1A-related conditions. This variant is not present in population databases (ExAC no frequency). This sequence change replaces proline with leucine at codon 121 of the SH2D1A protein (p.Pro121Leu). The proline residue is moderately conserved and there is a moderate physicochemical difference between proline and leucine.

NM_002351.5(SH2D1A):c.362C>T (p.Pro121Leu)

Gene: SH2D1A (SH2 domain containing 1A; plus strand). Cytogenetic location: Xq25.
Variant type: single nucleotide variant.
Coding change: c.362C>T on transcript NM_002351.5 (MANE Select); coding-DNA position 362, C replaced by T.
Protein change: p.Pro121Leu; replaces proline 121 with leucine.
Molecular consequence: missense variant.
Genome position (GRCh38, 1-based): chrX:124,371,366, C>T. VCF-style: chrX-124371366-C-T. GRCh37 (hg19) VCF-style: chrX-123505216-C-T.
Other names: c.353C>T, p.Pro118Leu (NM_001114937.3); short protein forms P121L, P118L.
Identifiers: ClinVar variation 858571 (VCV000858571.9), dbSNP rs2060068693, ClinGen allele CA414125109.